The following is an entry in ClinVar:

ClinVar aggregate classification (germline): Conflicting classifications of pathogenicity. Review status: criteria provided, conflicting classifications (1 of 4 stars). 3 submissions from 3 submitters: Uncertain significance (2); Likely benign (1). Last evaluated 2025-12-18.

Conditions:
Hereditary spastic paraplegia. Also called: Familial spastic paraparesis. Identifiers: Orphanet 685, MedGen C0037773, MONDO:0019064. Disease mechanism: loss of function.
CYP7B1-related disorder. Also called: CYP7B1-related condition.

Allele frequency attached by ClinVar (database versions not stated): ExAC below 0.00001; gnomAD exomes 0.00005 and 0.00009; gnomAD 0.00007 and 0.00008; TOPMed 0.00010.
gnomAD v4.1: 81 of 1,464,460 alleles (0.0055%); highest among the groups gnomAD compares: Middle Eastern, 0.024%; no homozygotes.

Submissions (3):

PreventionGenetics, part of Exact Sciences
Classification: Likely benign for CYP7B1-related condition. Last evaluated: 2025-12-18. Review status: criteria provided, single submitter. Criteria: ACMG Guidelines, 2015. Collection method: clinical testing. Allele origin: germline.
Comment: This variant is classified as likely benign based on ACMG/AMP sequence variant interpretation guidelines (Richards et al. 2015 PMID: 25741868, with internal and published modifications).

Eurofins Ntd Llc (ga)
Classification: Uncertain significance. Last evaluated: 2018-07-09. Review status: criteria provided, single submitter. Criteria: EGL ClinVar v180209 classification definitions. Collection method: clinical testing. Allele origin: germline. Observed: 1 variant allele, 1 heterozygote.

Genome Diagnostics Laboratory, The Hospital for Sick Children
Classification: Uncertain significance for Hereditary spastic paraplegia. Last evaluated: 2016-12-12. Review status: criteria provided, single submitter. Criteria: ACMG Guidelines, 2015. Collection method: clinical testing. Allele origin: germline. Affected: yes.

NM_004820.5(CYP7B1):c.-2G>A

Genes: CYP7B1 (cytochrome P450 family 7 subfamily B member 1; minus strand), LOC130000507 (ATAC-STARR-seq lymphoblastoid silent region 19243; plus strand). Cytogenetic location: 8q12.3.
Variant type: single nucleotide variant.
Coding change: c.-2G>A on transcript NM_004820.5 (MANE Select); 2 bases upstream of the start codon, G replaced by A.
Molecular consequence: 5 prime UTR variant.
Genome position (GRCh38, 1-based): chr8:64,798,589, C>T on the plus strand (G>A on the coding strand, the complement: CYP7B1 is on the minus strand). VCF-style: chr8-64798589-C-T. GRCh37 (hg19) VCF-style: chr8-65711146-C-T.
Other names: c.-2G>A (NM_001324112.2, NM_004820.4).
Identifiers: ClinVar variation 597954 (VCV000597954.9), dbSNP rs781116478, ClinGen allele CA4764314.